The following is an entry in ClinVar:

NM_032119.4(ADGRV1):c.11757+4A>G

Gene: ADGRV1 (adhesion G protein-coupled receptor V1; plus strand). Cytogenetic location: 5q14.3.
Variant type: single nucleotide variant.
Coding change: c.11757+4A>G on transcript NM_032119.4 (MANE Select); 4 bases into the intron after coding-DNA position 11757, A replaced by G.
Molecular consequence: intron variant.
Genome position (GRCh38, 1-based): chr5:90,756,634, A>G. VCF-style: chr5-90756634-A-G. GRCh37 (hg19) VCF-style: chr5-90052451-A-G.
Identifiers: ClinVar variation 1442083 (VCV001442083.4), dbSNP rs760122290, ClinGen allele CA3341037.
Genomic context (GRCh38, chr5:90,756,634, plus strand): 5'-ATAATGATAGAAGAAAATGACGATCCCAGAGGAATTTTTATGTTTCATGTTACTAGAGTG[A>G]GATGAACTTTCATTTGTTTACAGTCATACAGAGGCCTCTCCCTGCTGATTTGGCCAGTGT-3'

ClinVar aggregate classification (germline): Uncertain significance (1 of 4 stars; one submission).

Allele frequency attached by ClinVar (database versions not stated): gnomAD exomes below 0.00001 and 0.00001; ExAC 0.00001.
gnomAD v4.1: 1 of 1,611,498 alleles (0.000062%); highest among the groups gnomAD compares: Non-Finnish European, 0.000085%; no homozygotes.

Submission:

Labcorp Genetics (formerly Invitae), Labcorp
Classification: Uncertain significance. Last evaluated: 2021-04-08. Review status: criteria provided, single submitter. Criteria: Invitae Variant Classification Sherloc (09022015). Collection method: clinical testing. Allele origin: germline.
Comment: This variant has not been reported in the literature in individuals with ADGRV1-related conditions. This variant is present in population databases (rs760122290, ExAC 0.002%). This sequence change falls in intron 56 of the ADGRV1 gene. It does not directly change the encoded amino acid sequence of the ADGRV1 protein. It affects a nucleotide within the consensus splice site of the intron. Nucleotide substitutions within the consensus splice site are a relatively common cause of aberrant splicing (PMID: 17576681, 9536098). Algorithms developed to predict the effect of sequence changes on RNA splicing suggest that this variant may disrupt the consensus splice site, but this prediction has not been confirmed by published transcriptional studies. In summary, the available evidence is currently insufficient to determine the role of this variant in disease. Therefore, it has been classified as a Variant of Uncertain Significance.

Literature cited by the submitters: PubMed 17576681; PubMed 9536098.